The following is an entry in ClinVar:

NM_007217.4(PDCD10):c.396-62_396-24del

Gene: PDCD10 (programmed cell death 10; minus strand). Cytogenetic location: 3q26.1.
Variant type: Deletion.
Coding change: c.396-62_396-24del on transcript NM_007217.4 (MANE Select); 62 bases into the intron before coding-DNA position 396 through 24 bases into the intron before coding-DNA position 396, 39 bases deleted.
Molecular consequence: intron variant.
Genome position (GRCh38, 1-based): chr3:167,687,717-167,687,755, 39 bases deleted; deleting any 39 consecutive bases within chr3:167,687,717-167,687,778 gives the same sequence; the c. name uses the placement nearest the transcript's 3' end. GRCh37 (hg19): chr3:167,405,528-167,405,566.
Other names: c.396-62_396-24del (NM_145860.2, NM_145859.2, NM_001439202.1 and 2 more transcripts).
Identifiers: ClinVar variation 4988296 (VCV004988296.1).
Genomic context (GRCh38, chr3:167,687,716, plus strand): 5'-CTGTATCAAGAAGTTCTTTTATTGCACTAGCTATATCCCTGTTGGGAAAAGAATAAAGAA[TATCAGCTACATTTGAAAGAAATTTGTGAGAGAAAAGAAC>T]ATCAGCTACATTTGAAAGAAATTAAGTACACTCTTAATCTAATCACAGTACACTCTTAAT-3'

ClinVar aggregate classification (germline): Benign (1 of 4 stars; one submission).

Conditions:
PDCD10-related disorder. Also called: PDCD10-related condition.

Submission:

PreventionGenetics, part of Exact Sciences
Classification: Benign for PDCD10-related condition. Last evaluated: 2025-10-12. Review status: criteria provided, single submitter. Criteria: ACMG Guidelines, 2015. Collection method: clinical testing. Allele origin: germline.
Comment: This variant is classified as benign based on ACMG/AMP sequence variant interpretation guidelines (Richards et al. 2015 PMID: 25741868, with internal and published modifications).